The following is an entry in ClinVar:

ClinVar aggregate classification (germline): Uncertain significance (1 of 4 stars; one submission).

Allele frequency attached by ClinVar (database versions not stated): gnomAD 0.00001; TOPMed 0.00001; ESP Exome Variant Server 0.00008.
gnomAD v4.1: 9 of 1,613,476 alleles (0.00056%); highest among the groups gnomAD compares: Non-Finnish European, 0.00076%; no homozygotes.

Submission:

Labcorp Genetics (formerly Invitae), Labcorp
Classification: Uncertain significance. Last evaluated: 2022-07-27. Review status: criteria provided, single submitter. Criteria: Invitae Variant Classification Sherloc (09022015). Collection method: clinical testing. Allele origin: germline.
Comment: This sequence change replaces glycine, which is neutral and non-polar, with valine, which is neutral and non-polar, at codon 7 of the NBAS protein (p.Gly7Val). This variant is present in population databases (rs375378129, gnomAD 0.002%). This variant has not been reported in the literature in individuals affected with NBAS-related conditions. Algorithms developed to predict the effect of missense changes on protein structure and function output the following: SIFT: "Deleterious"; PolyPhen-2: "Benign"; Align-GVGD: "Class C65". The valine amino acid residue is found in multiple mammalian species, which suggests that this missense change does not adversely affect protein function. In summary, the available evidence is currently insufficient to determine the role of this variant in disease. Therefore, it has been classified as a Variant of Uncertain Significance.

NM_015909.4(NBAS):c.20G>T (p.Gly7Val)

Genes: NBAS (NBAS subunit of NRZ tethering complex; minus strand), LOC129933155 (ATAC-STARR-seq lymphoblastoid active region 15346; plus strand). Cytogenetic location: 2p24.3.
Variant type: single nucleotide variant.
Coding change: c.20G>T on transcript NM_015909.4 (MANE Select); coding-DNA position 20, G replaced by T.
Protein change: p.Gly7Val; replaces glycine 7 with valine.
Molecular consequence: missense variant. On other transcripts: non-coding transcript variant (1).
Genome position (GRCh38, 1-based): chr2:15,561,285, C>A on the plus strand (G>T on the coding strand, the complement: NBAS is on the minus strand). VCF-style: chr2-15561285-C-A. GRCh37 (hg19) VCF-style: chr2-15701409-C-A.
Other names: short protein forms G7V.
Identifiers: ClinVar variation 1950123 (VCV001950123.2), dbSNP rs375378129, ClinGen allele CA1537256.